The following is an entry in ClinVar:

ClinVar aggregate classification (germline): Uncertain significance (1 of 4 stars; one submission).

Conditions:
Multiple gastrointestinal atresias. Also called: Multiple intestinal atresia; FAMILIAL INTESTINAL POLYATRESIA SYNDROME. Identifiers: Orphanet 2300, MedGen C0220744, MONDO:0009465.

gnomAD v4.1: 5 of 1,550,846 alleles (0.00032%); highest among the groups gnomAD compares: Admixed American, 0.002%; no homozygotes.

Submission:

Labcorp Genetics (formerly Invitae), Labcorp
Classification: Uncertain significance for Multiple gastrointestinal atresias. Last evaluated: 2019-08-02. Review status: criteria provided, single submitter. Criteria: Invitae Variant Classification Sherloc (09022015). Collection method: clinical testing. Allele origin: germline.
Comment: In summary, the available evidence is currently insufficient to determine the role of this variant in disease. Therefore, it has been classified as a Variant of Uncertain Significance. Algorithms developed to predict the effect of missense changes on protein structure and function (SIFT, PolyPhen-2, Align-GVGD) all suggest that this variant is likely to be tolerated, but these predictions have not been confirmed by published functional studies and their clinical significance is uncertain. This variant has not been reported in the literature in individuals with TTC7A-related conditions. The frequency data for this variant in the population databases is considered unreliable, as metrics indicate insufficient coverage at this position in the ExAC database. This sequence change replaces proline with threonine at codon 52 of the TTC7A protein (p.Pro52Thr). The proline residue is weakly conserved and there is a small physicochemical difference between proline and threonine.

NM_020458.4(TTC7A):c.154C>A (p.Pro52Thr)

Genes: MCFD2 (multiple coagulation factor deficiency 2, ER cargo receptor complex subunit; minus strand), TTC7A (tetratricopeptide repeat domain 7A; plus strand). Cytogenetic location: 2p21.
Variant type: single nucleotide variant.
Coding change: c.154C>A on transcript NM_020458.4 (MANE Select); coding-DNA position 154, C replaced by A.
Protein change: p.Pro52Thr; replaces proline 52 with threonine.
Molecular consequence: missense variant. On other transcripts: 5 prime UTR variant (3), intron variant (1).
Genome position (GRCh38, 1-based): chr2:46,941,695, C>A. VCF-style: chr2-46941695-C-A. GRCh37 (hg19) VCF-style: chr2-47168834-C-A.
Other names: c.154C>A, p.Pro52Thr (NM_001288951.2); c.-751C>A (NM_001288955.2); c.-130G>T (NM_001171508.2); c.-32G>T (NM_001171511.3); c.83-8668C>A (NM_001288953.2); short protein forms P52T.
Identifiers: ClinVar variation 947792 (VCV000947792.9), dbSNP rs906523542, ClinGen allele CA46613104.
Genomic context (GRCh38, chr2:46,941,695, plus strand): 5'-CTGGTCCGGCAGCTGCAGACGCTGAGCATGCCCGGCGGCGGAGGTAACAGGCGAGGCAGC[C>A]CGAGCGCAGCGTTCACCTTTCCGGACACCGGTGAGTAAGGGAAGAGGCTGGCTCGCCGGC-3'
Protein context (NP_065191.2, residues 42-62): PGGGGNRRGS[Pro52Thr]SAAFTFPDTD